The following is an entry in ClinVar:

ClinVar aggregate classification (germline): Uncertain significance (1 of 4 stars; one submission).

Conditions:
Malignant hyperthermia, susceptibility to, 1 (MHS1). Also called: Anesthesia related hyperthermia; Malignant hyperpyrexia; Fulminating hyperpyrexia; Pharmacogenic myopathy; RYR1-Related Malignant Hyperthermia Susceptibility; Malignant hyperthermia suceptibility 1. Identifiers: Orphanet 423, MedGen C2930980, MONDO:0007783, OMIM 145600.

gnomAD v4.1: 1 of 1,549,522 alleles (0.000065%); highest among the groups gnomAD compares: East Asian, 0.0024%; no homozygotes.

Submission:

All of Us Research Program, National Institutes of Health
Classification: Uncertain significance for Malignant hyperthermia, susceptibility to, 1. Last evaluated: 2024-06-09. Review status: criteria provided, single submitter. Criteria: ACMG Guidelines, 2015. Collection method: clinical testing. Allele origin: germline. Inheritance: Autosomal dominant inheritance. Observed: 2 variant alleles, 2 heterozygotes.
Comment: This missense variant replaces glycine with alanine at codon 1364 of the RYR1 protein. Computational prediction suggests that this variant may not impact protein structure and function (internally defined REVEL score threshold <= 0.5, PMID: 27666373). To our knowledge, functional studies have not been reported for this variant. This variant has not been reported in individuals affected with RYR1-related disorders in the literature. This variant has not been identified in the general population by the Genome Aggregation Database (gnomAD). The available evidence is insufficient to determine the role of this variant in disease conclusively. Therefore, this variant is classified as a Variant of Uncertain Significance.

This study involves interpretation of variants in research participants for the purpose of population health screening. Participant phenotype was not available at the time of variant classification. Additional details can be found in publication PMID: 35346344, PMCID: PMC8962531

NM_000540.3(RYR1):c.4091G>C (p.Gly1364Ala)

Gene: RYR1 (ryanodine receptor 1; plus strand). Cytogenetic location: 19q13.2.
Variant type: single nucleotide variant.
Coding change: c.4091G>C on transcript NM_000540.3 (MANE Select); coding-DNA position 4091, G replaced by C.
Protein change: p.Gly1364Ala; replaces glycine 1364 with alanine.
Molecular consequence: missense variant.
Genome position (GRCh38, 1-based): chr19:38,473,702, G>C. VCF-style: chr19-38473702-G-C. GRCh37 (hg19) VCF-style: chr19-38964342-G-C.
Other names: c.4091G>C, p.Gly1364Ala (NM_001042723.2); short protein forms G1364A.
Identifiers: ClinVar variation 3387700 (VCV003387700.1), dbSNP rs1489344675.